The following is an entry in ClinVar:

NM_004082.5(DCTN1):c.674G>A (p.Arg225Gln)

Gene: DCTN1 (dynactin subunit 1; minus strand). Cytogenetic location: 2p13.1.
Variant type: single nucleotide variant.
Coding change: c.674G>A on transcript NM_004082.5 (MANE Select); coding-DNA position 674, G replaced by A.
Protein change: p.Arg225Gln; replaces arginine 225 with glutamine.
Molecular consequence: missense variant. On other transcripts: non-coding transcript variant (1).
Genome position (GRCh38, 1-based): chr2:74,371,148, C>T on the plus strand (G>A on the coding strand, the complement: DCTN1 is on the minus strand). VCF-style: chr2-74371148-C-T. GRCh37 (hg19) VCF-style: chr2-74598275-C-T.
Other names: c.614G>A, p.Arg205Gln (NM_001135040.3); c.272G>A, p.Arg91Gln (NM_001135041.3, NM_023019.4); c.563G>A, p.Arg188Gln (NM_001190836.2); c.653G>A, p.Arg218Gln (NM_001190837.2); c.623G>A, p.Arg208Gln (NM_001378991.1); c.605G>A, p.Arg202Gln (NM_001378992.1); short protein forms R188Q, R205Q, R218Q, R91Q, R225Q, R208Q, R202Q.
Identifiers: ClinVar variation 862813 (VCV000862813.12), dbSNP rs1411382364, ClinGen allele CA347366583.

ClinVar aggregate classification (germline): Uncertain significance. Review status: criteria provided, multiple submitters, no conflicts (2 of 4 stars). 2 submissions from 2 submitters: Uncertain significance (2). Last evaluated 2025-10-09.

Conditions:
Amyotrophic lateral sclerosis type 1 (ALS1). Also called: AMYOTROPHIC LATERAL SCLEROSIS 1, FAMILIAL. Identifiers: Orphanet 803, MedGen C1862939, MONDO:0007103, OMIM 105400.
Perry syndrome. Also called: PARKINSONISM WITH ALVEOLAR HYPOVENTILATION AND MENTAL DEPRESSION. Identifiers: Orphanet 178509, MedGen C1868594, MONDO:0008201, OMIM 168605.
Neuronopathy, distal hereditary motor, type 7B. Also called: Distal Hereditary Motor Neuronopathy Type 7B (dHMN7B); HMN VIIB; LOWER MOTOR NEURON DISEASE, DYNACTIN TYPE; NEURONOPATHY, DISTAL HEREDITARY MOTOR, AUTOSOMAL DOMINANT 14; NEURONOPATHY, DISTAL HEREDITARY MOTOR, HARDING TYPE VIIB; NEUROPATHY, DISTAL HEREDITARY MOTOR, HARDING TYPE VIIB. Identifiers: Orphanet 139589, MedGen C1843315, MONDO:0011879, OMIM 607641.
Inborn genetic diseases. Identifiers: MedGen C0950123, MeSH D030342.

Allele frequency attached by ClinVar (database versions not stated): gnomAD 0.00001; gnomAD exomes 0.00001; TOPMed 0.00003.
gnomAD v4.1: 16 of 1,613,900 alleles (0.00099%); highest among the groups gnomAD compares: South Asian, 0.0055%; no homozygotes.

Submissions (2):

Labcorp Genetics (formerly Invitae), Labcorp
Classification: Uncertain significance for Amyotrophic lateral sclerosis type 1; Neuronopathy, distal hereditary motor, type 7B; Perry syndrome. Last evaluated: 2025-10-09. Review status: criteria provided, single submitter. Criteria: Invitae Variant Classification Sherloc (09022015). Collection method: clinical testing. Allele origin: germline.
Comment: This sequence change replaces arginine, which is basic and polar, with glutamine, which is neutral and polar, at codon 225 of the DCTN1 protein (p.Arg225Gln). This variant is present in population databases (no rsID available, gnomAD 0.006%). This variant has not been reported in the literature in individuals affected with DCTN1-related conditions. ClinVar contains an entry for this variant (Variation ID: 862813). Invitae Evidence Modeling of protein sequence and biophysical properties (such as structural, functional, and spatial information, amino acid conservation, physicochemical variation, residue mobility, and thermodynamic stability) indicates that this missense variant is not expected to disrupt DCTN1 protein function with a negative predictive value of 95%. In summary, the available evidence is currently insufficient to determine the role of this variant in disease. Therefore, it has been classified as a Variant of Uncertain Significance.

Ambry Genetics
Classification: Uncertain significance for Inborn genetic diseases. Last evaluated: 2021-12-16. Review status: criteria provided, single submitter. Criteria: Ambry Variant Classification Scheme 2023. Collection method: clinical testing. Allele origin: germline.
Comment: The p.R225Q variant (also known as c.674G>A), located in coding exon 9 of the DCTN1 gene, results from a G to A substitution at nucleotide position 674. The arginine at codon 225 is replaced by glutamine, an amino acid with highly similar properties. This amino acid position is conserved. In addition, this alteration is predicted to be tolerated by in silico analysis. Since supporting evidence is limited at this time, the clinical significance of this alteration remains unclear.